The following is an entry in ClinVar:

ClinVar aggregate classification (germline): Uncertain significance (1 of 4 stars; one submission).

Submission:

GeneDx
Classification: Uncertain significance. Last evaluated: 2024-04-17. Review status: criteria provided, single submitter. Criteria: GeneDx Variant Classification Process June 2021. Collection method: clinical testing. Allele origin: germline. Affected: yes.
Comment: Not observed at significant frequency in large population cohorts (gnomAD); In silico analysis indicates that this missense variant does not alter protein structure/function; Has not been previously published as pathogenic or benign to our knowledge

NM_006662.3(SRCAP):c.844C>G (p.Leu282Val)

Gene: SRCAP (Snf2 related CREBBP activator protein; plus strand). Cytogenetic location: 16p11.2.
Variant type: single nucleotide variant.
Coding change: c.844C>G on transcript NM_006662.3 (MANE Select); coding-DNA position 844, C replaced by G.
Protein change: p.Leu282Val; replaces leucine 282 with valine.
Molecular consequence: missense variant.
Genome position (GRCh38, 1-based): chr16:30,709,723, C>G. VCF-style: chr16-30709723-C-G. GRCh37 (hg19) VCF-style: chr16-30721044-C-G.
Other names: short protein forms L282V.
Identifiers: ClinVar variation 3372529 (VCV003372529.1).